The following is an entry in ClinVar:

NM_000268.4(NF2):c.1038G>T (p.Arg346Ser)

Gene: NF2 (NF2, moesin-ezrin-radixin like (MERLIN) tumor suppressor; plus strand). Cytogenetic location: 22q12.2.
Variant type: single nucleotide variant.
Coding change: c.1038G>T on transcript NM_000268.4 (MANE Select); coding-DNA position 1038, G replaced by T.
Protein change: p.Arg346Ser; replaces arginine 346 with serine.
Molecular consequence: missense variant. On other transcripts: non-coding transcript variant (1), intron variant (1).
Genome position (GRCh38, 1-based): chr22:29,671,864, G>T. VCF-style: chr22-29671864-G-T. GRCh37 (hg19) VCF-style: chr22-30067853-G-T.
Other names: c.1038G>T, p.Arg346Ser (NM_016418.5, NM_181825.3, NM_181832.3); c.912G>T, p.Arg304Ser (NM_181828.3); c.915G>T, p.Arg305Ser (NM_181829.3); c.789G>T, p.Arg263Ser (NM_181830.3, NM_181831.3); c.448-22888G>T (NM_181833.3); short protein forms R304S, R263S, R305S, R346S.
Identifiers: ClinVar variation 836842 (VCV000836842.13), dbSNP rs2066801644, ClinGen allele CA411146849.

ClinVar aggregate classification (germline): Uncertain significance. Review status: criteria provided, multiple submitters, no conflicts (2 of 4 stars). 4 submissions from 4 submitters: Uncertain significance (4). Last evaluated 2026-04-20.

Conditions:
Neurofibromatosis, type 2 (SWNV). Also called: NF2-Related Schwannomatosis; BILATERAL ACOUSTIC NEUROFIBROMATOSIS; SCHWANNOMATOSIS, VESTIBULAR. Identifiers: Orphanet 637, MedGen C0027832, MONDO:0007039, OMIM 101000. Disease mechanism: loss of function.
Familial meningioma. Also called: Meningioma, familial, susceptibility to. Identifiers: Orphanet 263662, MedGen C3551915, MONDO:0011789, OMIM 607174.
Hereditary cancer-predisposing syndrome. Also called: Tumor predisposition; Neoplastic Syndromes, Hereditary; Hereditary neoplastic syndrome; Hereditary Cancer Syndrome. Identifiers: Orphanet 140162, MedGen C0027672, MeSH D009386, MONDO:0015356.

Submissions (4):

GeneDx
Classification: Uncertain significance. Last evaluated: 2026-04-20. Review status: criteria provided, single submitter. Criteria: GeneDx Variant Classification Process June 2021. Collection method: clinical testing. Allele origin: germline.
Comment: Not observed at significant frequency in large population cohorts (gnomAD); In silico analysis supports that this missense variant has a deleterious effect on protein structure/function; Has not been previously published as pathogenic or benign to our knowledge; This variant is associated with the following publications: (PMID: 16324214, 17134719, 22482125)

Fulgent Genetics
Classification: Uncertain significance for Neurofibromatosis, type 2; Familial meningioma. Last evaluated: 2024-05-15. Review status: criteria provided, single submitter. Criteria: ACMG Guidelines, 2015. Collection method: clinical testing. Allele origin: germline.

Ambry Genetics
Classification: Uncertain significance for Hereditary cancer-predisposing syndrome. Last evaluated: 2023-10-25. Review status: criteria provided, single submitter. Criteria: Ambry Variant Classification Scheme 2023. Collection method: clinical testing. Allele origin: germline.
Comment: The p.R346S variant (also known as c.1038G>T), located in coding exon 11 of the NF2 gene, results from a G to T substitution at nucleotide position 1038. The arginine at codon 346 is replaced by serine, an amino acid with dissimilar properties. This amino acid position is highly conserved in available vertebrate species. In addition, the in silico prediction for this alteration is inconclusive. Since supporting evidence is limited at this time, the clinical significance of this alteration remains unclear.

Labcorp Genetics (formerly Invitae), Labcorp
Classification: Uncertain significance for Neurofibromatosis, type 2. Last evaluated: 2022-11-08. Review status: criteria provided, single submitter. Criteria: Invitae Variant Classification Sherloc (09022015). Collection method: clinical testing. Allele origin: germline.
Comment: This sequence change replaces arginine, which is basic and polar, with serine, which is neutral and polar, at codon 346 of the NF2 protein (p.Arg346Ser). This variant is not present in population databases (gnomAD no frequency). In summary, the available evidence is currently insufficient to determine the role of this variant in disease. Therefore, it has been classified as a Variant of Uncertain Significance. Advanced modeling of protein sequence and biophysical properties (such as structural, functional, and spatial information, amino acid conservation, physicochemical variation, residue mobility, and thermodynamic stability) performed at Invitae indicates that this missense variant is expected to disrupt NF2 protein function. ClinVar contains an entry for this variant (Variation ID: 836842). This variant has not been reported in the literature in individuals affected with NF2-related conditions.